The following is an entry in ClinVar:

NM_003079.5(SMARCE1):c.1108G>A (p.Gly370Arg)

Gene: SMARCE1 (SWI/SNF related BAF chromatin remodeling complex subunit E1; minus strand). Cytogenetic location: 17q21.2.
Variant type: single nucleotide variant.
Coding change: c.1108G>A on transcript NM_003079.5 (MANE Select); coding-DNA position 1108, G replaced by A.
Protein change: p.Gly370Arg; replaces glycine 370 with arginine.
Molecular consequence: missense variant.
Genome position (GRCh38, 1-based): chr17:40,628,913, C>T on the plus strand (G>A on the coding strand, the complement: SMARCE1 is on the minus strand). VCF-style: chr17-40628913-C-T. GRCh37 (hg19) VCF-style: chr17-38785165-C-T.
Other names: c.1108G>A (NM_003079.4); short protein forms G370R.
Identifiers: ClinVar variation 1062373 (VCV001062373.10), dbSNP rs2143980642, ClinGen allele CA399361384.

ClinVar aggregate classification (germline): Uncertain significance. Review status: criteria provided, multiple submitters, no conflicts (2 of 4 stars). 2 submissions from 2 submitters: Uncertain significance (2). Last evaluated 2024-05-11.

Conditions:
Hereditary cancer-predisposing syndrome. Also called: Hereditary Cancer Syndrome; Hereditary neoplastic syndrome; Neoplastic Syndromes, Hereditary; Tumor predisposition. Identifiers: Orphanet 140162, MedGen C0027672, MeSH D009386, MONDO:0015356.
Familial meningioma. Also called: Meningioma, familial, susceptibility to. Identifiers: Orphanet 263662, MedGen C3551915, MONDO:0011789, OMIM 607174.

Allele frequency attached by ClinVar (database versions not stated): gnomAD exomes below 0.00001.
gnomAD v4.1: 2 of 1,613,782 alleles (0.00012%); highest among the groups gnomAD compares: Non-Finnish European, 0.00017%; no homozygotes.

Submissions (2):

Ambry Genetics
Classification: Uncertain significance for Hereditary cancer-predisposing syndrome. Last evaluated: 2024-05-11. Review status: criteria provided, single submitter. Criteria: Ambry Variant Classification Scheme 2023. Collection method: clinical testing. Allele origin: germline.
Comment: The p.G370R variant (also known as c.1108G>A), located in coding exon 10 of the SMARCE1 gene, results from a G to A substitution at nucleotide position 1108. The glycine at codon 370 is replaced by arginine, an amino acid with dissimilar properties. This amino acid position is conserved. In addition, this alteration is predicted to be tolerated by in silico analysis. Based on the available evidence, the clinical significance of this variant remains unclear.

Labcorp Genetics (formerly Invitae), Labcorp
Classification: Uncertain significance for Familial meningioma. Last evaluated: 2021-01-25. Review status: criteria provided, single submitter. Criteria: Invitae Variant Classification Sherloc (09022015). Collection method: clinical testing. Allele origin: germline.
Comment: This sequence change replaces glycine with arginine at codon 370 of the SMARCE1 protein (p.Gly370Arg). The glycine residue is moderately conserved and there is a moderate physicochemical difference between glycine and arginine. This variant is not present in population databases (ExAC no frequency). This variant has not been reported in the literature in individuals with SMARCE1-related conditions. Algorithms developed to predict the effect of missense changes on protein structure and function are either unavailable or do not agree on the potential impact of this missense change (SIFT: "Tolerated"; PolyPhen-2: "Possibly Damaging"; Align-GVGD: "Class C0"). In summary, the available evidence is currently insufficient to determine the role of this variant in disease. Therefore, it has been classified as a Variant of Uncertain Significance.